The following is an entry in ClinVar:

NM_006662.3(SRCAP):c.4723C>G (p.Pro1575Ala)

Gene: SRCAP (Snf2 related CREBBP activator protein; plus strand). Cytogenetic location: 16p11.2.
Variant type: single nucleotide variant.
Coding change: c.4723C>G on transcript NM_006662.3 (MANE Select); coding-DNA position 4723, C replaced by G.
Protein change: p.Pro1575Ala; replaces proline 1575 with alanine.
Molecular consequence: missense variant.
Genome position (GRCh38, 1-based): chr16:30,724,147, C>G. VCF-style: chr16-30724147-C-G. GRCh37 (hg19) VCF-style: chr16-30735468-C-G.
Other names: short protein forms P1575A.
Identifiers: ClinVar variation 2191323 (VCV002191323.4), dbSNP rs143556666, ClinGen allele CA395616520.

ClinVar aggregate classification (germline): Uncertain significance (1 of 4 stars; one submission).

gnomAD v4.1: 1 of 1,614,130 alleles (0.000062%); no homozygotes.

Submission:

Labcorp Genetics (formerly Invitae), Labcorp
Classification: Uncertain significance. Last evaluated: 2022-06-11. Review status: criteria provided, single submitter. Criteria: Invitae Variant Classification Sherloc (09022015). Collection method: clinical testing. Allele origin: germline.
Comment: This variant has not been reported in the literature in individuals affected with SRCAP-related conditions. In summary, the available evidence is currently insufficient to determine the role of this variant in disease. Therefore, it has been classified as a Variant of Uncertain Significance. Algorithms developed to predict the effect of missense changes on protein structure and function are either unavailable or do not agree on the potential impact of this missense change (SIFT: "Tolerated"; PolyPhen-2: "Possibly Damaging"; Align-GVGD: "Class C0"). This variant is not present in population databases (gnomAD no frequency). This sequence change replaces proline, which is neutral and non-polar, with alanine, which is neutral and non-polar, at codon 1575 of the SRCAP protein (p.Pro1575Ala).